The following is an entry in ClinVar:

NM_003410.4(ZFX):c.2236G>A (p.Val746Met)

Gene: ZFX (zinc finger protein X-linked; plus strand). Cytogenetic location: Xp22.11.
Variant type: single nucleotide variant.
Coding change: c.2236G>A on transcript NM_003410.4 (MANE Select); coding-DNA position 2236, G replaced by A.
Protein change: p.Val746Met; replaces valine 746 with methionine.
Molecular consequence: missense variant. On other transcripts: 3 prime UTR variant (1).
Genome position (GRCh38, 1-based): chrX:24,211,194, G>A. VCF-style: chrX-24211194-G-A. GRCh37 (hg19) VCF-style: chrX-24229311-G-A.
Other names: c.2236G>A, p.Val746Met (NM_001178084.2, NM_001178085.1); c.1549G>A, p.Val517Met (NM_001178086.2); c.*996G>A (NM_001178095.2); c.2353G>A, p.Val785Met (NM_001330327.2); short protein forms V517M, V746M, V785M.
Identifiers: ClinVar variation 3342640 (VCV003342640.1).

ClinVar aggregate classification (germline): Uncertain significance (1 of 4 stars; one submission).

Submission:

GeneDx
Classification: Uncertain significance. Last evaluated: 2022-09-21. Review status: criteria provided, single submitter. Criteria: GeneDx Variant Classification Process June 2021. Collection method: clinical testing. Allele origin: germline. Affected: yes.
Comment: Not observed at significant frequency in large population cohorts (gnomAD); In silico analysis supports that this missense variant does not alter protein structure/function; Has not been previously published as pathogenic or benign to our knowledge; Variants in candidate genes are classified as variants of uncertain significance in accordance with ACMG guidelines (Richards et al., 2015)